The following is an entry in ClinVar:

NM_015570.4(AUTS2):c.3377ACC[5] (p.His1131_His1133del)

Gene: AUTS2 (activator of transcription and developmental regulator AUTS2; plus strand). Cytogenetic location: 7q11.22.
Variant type: Microsatellite.
Coding change: c.3377ACC[5] on transcript NM_015570.4 (MANE Select); five copies in a row of the 3-base unit ACC starting at c.3377; the reference has eight copies in a row; three copies, 9 bases deleted; also written c.3392_3400del.
Protein change: p.His1131_His1133del.
Molecular consequence: inframe deletion.
Genome position (GRCh38, 1-based): chr7:70,790,608-70,790,616, ACCACCACC deleted; deleting any 9 consecutive bases within chr7:70,790,591-70,790,616 gives the same sequence; the position shown is the placement nearest the transcript's 3' end. VCF-style (leftmost placement, unchanged base first): chr7-70790590-GCCACCACCA-G. GRCh37 (hg19) VCF-style: chr7-70255576-GCCACCACCA-G.
Other names: c.3392_3400del (NM_015570.3); c.3305ACC[5], p.His1107_His1109del (NM_001127231.3).
Identifiers: ClinVar variation 787554 (VCV000787554.28), dbSNP rs538005366, ClinGen allele CA4281319.

ClinVar aggregate classification (germline): Benign/Likely benign. Review status: criteria provided, multiple submitters, no conflicts (2 of 4 stars). 3 submissions from 3 submitters: Benign (2); Likely benign (1). Last evaluated 2026-01-05.

Submissions (3):

Labcorp Genetics (formerly Invitae), Labcorp
Classification: Likely benign. Last evaluated: 2026-01-05. Review status: criteria provided, single submitter. Criteria: Invitae Variant Classification Sherloc (09022015). Collection method: clinical testing. Allele origin: germline.

CeGaT Center for Human Genetics Tuebingen
Classification: Benign. Last evaluated: 2024-06-01. Review status: criteria provided, single submitter. Criteria: CeGaT Center For Human Genetics Tuebingen Variant Classification Criteria Version 2. Collection method: clinical testing. Allele origin: germline. Affected: yes. Observed: 1 variant allele.
Comment: AUTS2: BS1, BS2

GeneDx
Classification: Benign. Last evaluated: 2020-07-07. Review status: criteria provided, single submitter. Criteria: GeneDx Variant Classification Process June 2021. Collection method: clinical testing. Allele origin: germline. Affected: yes.